The following is an entry in ClinVar:

NM_013275.6(ANKRD11):c.2088del (p.Glu697fs)

Gene: ANKRD11 (ankyrin repeat domain containing 11; minus strand). Cytogenetic location: 16q24.3.
Variant type: Deletion.
Coding change: c.2088del on transcript NM_013275.6 (MANE Select); coding-DNA position 2088, one base deleted (A; older notation c.2088delA).
Protein change: p.Glu697fs; shifts the reading frame from glutamic acid 697.
Molecular consequence: frameshift variant.
Genome position (GRCh38, 1-based): chr16:89,284,454, T deleted on the plus strand (A on the coding strand, the reverse complement: ANKRD11 is on the minus strand); the first of 6 consecutive T bases (chr16:89,284,454-89,284,459); deleting any one gives the same sequence. VCF-style (leftmost placement, unchanged base first): chr16-89284453-CT-C. GRCh37 (hg19) VCF-style: chr16-89350861-CT-C.
Other names: c.2088del, p.Glu697fs (NM_001256182.2, NM_001256183.2); short protein forms E697fs.
Identifiers: ClinVar variation 3346524 (VCV003346524.1).

ClinVar aggregate classification (germline): Pathogenic (0 of 4 stars; one submission).

Conditions:
ANKRD11-related disorder. Also called: ANKRD11-related condition.

Submission:

PreventionGenetics, part of Exact Sciences
Classification: Pathogenic for ANKRD11-related condition. Last evaluated: 2024-05-23. Review status: no assertion criteria provided. Collection method: clinical testing. Allele origin: germline.
Comment: The ANKRD11 c.2088delA variant is predicted to result in a frameshift and premature protein termination (p.Glu697Lysfs*7). To our knowledge, this variant has not been reported in the literature or in a large population database, indicating this variant is rare. Frameshift variants in ANKRD11 are expected to be pathogenic. This variant is interpreted as pathogenic.